The following is an entry in ClinVar:

NM_030973.4(MED25):c.1201G>A (p.Ala401Thr)

Gene: MED25 (mediator complex subunit 25; plus strand). Cytogenetic location: 19q13.33.
Variant type: single nucleotide variant.
Coding change: c.1201G>A on transcript NM_030973.4 (MANE Select); coding-DNA position 1201, G replaced by A.
Protein change: p.Ala401Thr; replaces alanine 401 with threonine.
Molecular consequence: missense variant.
Genome position (GRCh38, 1-based): chr19:49,831,432, G>A. VCF-style: chr19-49831432-G-A. GRCh37 (hg19) VCF-style: chr19-50334689-G-A.
Other names: c.1201G>A, p.Ala401Thr (NM_001378355.1); short protein forms A401T.
Identifiers: ClinVar variation 933318 (VCV000933318.9), dbSNP rs1219247533, ClinGen allele CA406916429.

ClinVar aggregate classification (germline): Uncertain significance (1 of 4 stars; one submission).

Conditions:
Charcot-Marie-Tooth disease type 2. Also called: Charcot-Marie-Tooth type 2. Identifiers: Orphanet 64746, MedGen C0270914, MONDO:0018993.

Allele frequency attached by ClinVar (database versions not stated): gnomAD exomes below 0.00001.
gnomAD v4.1: 4 of 1,612,408 alleles (0.00025%); highest among the groups gnomAD compares: Non-Finnish European, 0.00034%; no homozygotes.

Submission:

Labcorp Genetics (formerly Invitae), Labcorp
Classification: Uncertain significance for Charcot-Marie-Tooth disease type 2. Last evaluated: 2019-09-27. Review status: criteria provided, single submitter. Criteria: Invitae Variant Classification Sherloc (09022015). Collection method: clinical testing. Allele origin: germline.
Comment: Algorithms developed to predict the effect of missense changes on protein structure and function are either unavailable or do not agree on the potential impact of this missense change (SIFT: "Deleterious"; PolyPhen-2: "Possibly Damaging"; Align-GVGD: "Class C0"). This variant has not been reported in the literature in individuals with MED25-related conditions. This variant is not present in population databases (ExAC no frequency). This sequence change replaces alanine with threonine at codon 401 of the MED25 protein (p.Ala401Thr). The alanine residue is highly conserved and there is a small physicochemical difference between alanine and threonine. In summary, the available evidence is currently insufficient to determine the role of this variant in disease. Therefore, it has been classified as a Variant of Uncertain Significance.